The following is an entry in ClinVar:

NM_174916.3(UBR1):c.4612A>C (p.Ser1538Arg)

Gene: UBR1 (ubiquitin protein ligase E3 component n-recognin 1; minus strand). Cytogenetic location: 15q15.2.
Variant type: single nucleotide variant.
Coding change: c.4612A>C on transcript NM_174916.3 (MANE Select); coding-DNA position 4612, A replaced by C.
Protein change: p.Ser1538Arg; replaces serine 1538 with arginine.
Molecular consequence: missense variant.
Genome position (GRCh38, 1-based): chr15:42,964,023, T>G on the plus strand (A>C on the coding strand, the complement: UBR1 is on the minus strand). VCF-style: chr15-42964023-T-G. GRCh37 (hg19) VCF-style: chr15-43256221-T-G.
Other names: short protein forms S1538R.
Identifiers: ClinVar variation 2402355 (VCV002402355.22), dbSNP rs201384130, ClinGen allele CA7517826.

ClinVar aggregate classification (germline): Likely benign. Review status: criteria provided, multiple submitters, no conflicts (2 of 4 stars). 4 submissions from 4 submitters: Likely benign (3). 1 of the submissions does not count toward it. Last evaluated 2026-07-01.

Conditions:
UBR1-related disorder. Also called: UBR1-related condition.
Inborn genetic diseases. Identifiers: MedGen C0950123, MeSH D030342.

Allele frequency attached by ClinVar (database versions not stated): TOPMed 0.00008; gnomAD 0.00013; ExAC 0.00038; 1000 Genomes Project 30x 0.00062; 1000 Genomes Project 0.00080.
gnomAD v4.1: 310 of 1,612,646 alleles (0.019%); highest among the groups gnomAD compares: South Asian, 0.2%; 2 homozygotes.

Submissions (4):

CeGaT Center for Human Genetics Tuebingen
Classification: Likely benign. Last evaluated: 2026-07-01. Review status: criteria provided, single submitter. Criteria: CeGaT Center For Human Genetics Tuebingen Variant Classification Criteria Version 2. Collection method: clinical testing. Allele origin: germline. Affected: yes. Observed: 2 variant alleles.
Comment: UBR1: BP4

Labcorp Genetics (formerly Invitae), Labcorp
Classification: Likely benign. Last evaluated: 2025-12-22. Review status: criteria provided, single submitter. Criteria: Invitae Variant Classification Sherloc (09022015). Collection method: clinical testing. Allele origin: germline.

Ambry Genetics
Classification: Likely benign for Inborn genetic diseases. Last evaluated: 2022-01-07. Review status: criteria provided, single submitter. Criteria: Ambry Variant Classification Scheme 2023. Collection method: clinical testing. Allele origin: germline.

PreventionGenetics, part of Exact Sciences
Classification: Likely benign for UBR1-related condition. Last evaluated: 2024-07-15. Review status: no assertion criteria provided. Collection method: clinical testing. Allele origin: germline. Not counted in ClinVar's aggregate classification.
Comment: This variant is classified as likely benign based on ACMG/AMP sequence variant interpretation guidelines (Richards et al. 2015 PMID: 25741868, with internal and published modifications).